The following is an entry in ClinVar:

NM_000404.4(GLB1):c.452A>T (p.Asp151Val)

Gene: GLB1 (galactosidase beta 1; minus strand). Cytogenetic location: 3p22.3.
Variant type: single nucleotide variant.
Coding change: c.452A>T on transcript NM_000404.4 (MANE Select); coding-DNA position 452, A replaced by T.
Protein change: p.Asp151Val; replaces aspartic acid 151 with valine.
Molecular consequence: missense variant. On other transcripts: intron variant (1).
Genome position (GRCh38, 1-based): chr3:33,068,235, T>A on the plus strand (A>T on the coding strand, the complement: GLB1 is on the minus strand). VCF-style: chr3-33068235-T-A. GRCh37 (hg19) VCF-style: chr3-33109727-T-A.
Other names: c.362A>T, p.Asp121Val (NM_001079811.3); c.596A>T, p.Asp199Val (NM_001317040.2); c.452A>T, p.Asp151Val (NM_001393580.1); c.246-2678A>T (NM_001135602.3); short protein forms D121V, D151V, D199V.
Identifiers: ClinVar variation 3759084 (VCV003759084.3).

ClinVar aggregate classification (germline): Pathogenic/Likely pathogenic. Review status: criteria provided, multiple submitters, no conflicts (2 of 4 stars). 2 submissions from 2 submitters: Pathogenic (1); Likely pathogenic (1). Last evaluated 2025-12-04.

Conditions:
Mucopolysaccharidosis, MPS-IV-B (MPS4B). Also called: MORQUIO SYNDROME B; Mucopolysaccharidosis type IV B; Mucopolysaccharidosis Type IVB; Mucopolysaccharidosis type 4B; Mucopolysaccharidosis Type IVB (Morquio B Disease); Mucopolysaccharidosis type IVB (Morquio). Identifiers: Orphanet 309310, Orphanet 582, MedGen C0086652, MONDO:0009660, OMIM 253010.
GM1 gangliosidosis. Identifiers: Orphanet 354, MedGen C0085131, MONDO:0018149.

Submissions (2):

Women's Health and Genetics/Laboratory Corporation of America, LabCorp
Classification: Likely pathogenic for Mucopolysaccharidosis, MPS-IV-B. Last evaluated: 2025-12-04. Review status: criteria provided, single submitter. Criteria: LabCorp Variant Classification Summary - May 2015. Collection method: clinical testing. Allele origin: germline.
Comment: Variant summary: GLB1 c.452A>T (p.Asp151Val) results in a non-conservative amino acid change in the encoded protein sequence. Algorithms developed to predict the effect of missense changes on protein structure and function all suggest that this variant is likely to be disruptive. The variant was absent in 249204 control chromosomes. c.452A>T has been observed in individual(s) affected with Mucopolysaccharidosis Type IVB (Morquio Syndrome B) (Santamaria_2006). These data indicate that the variant may be associated with disease. At least one publication reports experimental evidence evaluating an impact on protein function. The most pronounced variant effect results in <10% of normal beta-galactosidase activity in patient cells and transfected COS cells (Takai_2013, Santamaria_2006). The following publications have been ascertained in the context of this evaluation (PMID: 16941474, 23337983). ClinVar contains an entry for this variant (Variation ID: 3759084). Based on the evidence outlined above, the variant was classified as likely pathogenic.

Labcorp Genetics (formerly Invitae), Labcorp
Classification: Pathogenic for Mucopolysaccharidosis, MPS-IV-B; GM1 gangliosidosis. Last evaluated: 2024-02-17. Review status: criteria provided, single submitter. Criteria: Invitae Variant Classification Sherloc (09022015). Collection method: clinical testing. Allele origin: germline.
Comment: This sequence change replaces aspartic acid, which is acidic and polar, with valine, which is neutral and non-polar, at codon 151 of the GLB1 protein (p.Asp151Val). This variant is not present in population databases (gnomAD no frequency). This missense change has been observed in individual(s) with GM1-gangliosidosis (PMID: 16941474). Advanced modeling of protein sequence and biophysical properties (such as structural, functional, and spatial information, amino acid conservation, physicochemical variation, residue mobility, and thermodynamic stability) performed at Invitae indicates that this missense variant is expected to disrupt GLB1 protein function with a positive predictive value of 95%. This variant disrupts the p.Asp151 amino acid residue in GLB1. Other variant(s) that disrupt this residue have been determined to be pathogenic (PMID: 15365997, 15791924, 32219518). This suggests that this residue is clinically significant, and that variants that disrupt this residue are likely to be disease-causing. For these reasons, this variant has been classified as Pathogenic.

Literature cited by the submitters: PubMed 16941474 (cited by Women's Health and Genetics/Laboratory Corporation of America, LabCorp and Labcorp Genetics (formerly Invitae), Labcorp); PubMed 23337983 (cited by Women's Health and Genetics/Laboratory Corporation of America, LabCorp); PubMed 15365997 (cited by Labcorp Genetics (formerly Invitae), Labcorp); PubMed 15791924 (cited by Labcorp Genetics (formerly Invitae), Labcorp); PubMed 32219518 (cited by Labcorp Genetics (formerly Invitae), Labcorp).